The following is an entry in ClinVar:

NM_032387.5(WNK4):c.531_532del (p.Ile178fs)

Gene: WNK4 (WNK lysine deficient protein kinase 4; plus strand). Cytogenetic location: 17q21.2.
Variant type: Deletion.
Coding change: c.531_532del on transcript NM_032387.5 (MANE Select); coding-DNA positions 531 to 532, 2 bases deleted (CA; older notation c.531_532delCA).
Protein change: p.Ile178fs; shifts the reading frame from isoleucine 178.
Molecular consequence: frameshift variant. On other transcripts: 5 prime UTR variant (1).
Genome position (GRCh38, 1-based): chr17:42,781,229-42,781,230, CA deleted; deleting any 2 consecutive bases within chr17:42,781,228-42,781,230 gives the same sequence; the c. name uses the placement nearest the transcript's 3' end. VCF-style (leftmost placement, unchanged base first): chr17-42781227-GAC-G. GRCh37 (hg19) VCF-style: chr17-40933245-GAC-G.
Other names: c.-389_-388del (NM_001321299.2); short protein forms I178fs.
Identifiers: ClinVar variation 2417943 (VCV002417943.6), dbSNP rs746371799, ClinGen allele CA8583698.

ClinVar aggregate classification (germline): Uncertain significance (1 of 4 stars; one submission).

Submission:

Labcorp Genetics (formerly Invitae), Labcorp
Classification: Uncertain significance. Last evaluated: 2022-08-11. Review status: criteria provided, single submitter. Criteria: Invitae Variant Classification Sherloc (09022015). Collection method: clinical testing. Allele origin: germline.
Comment: In summary, the available evidence is currently insufficient to determine the role of this variant in disease. Therefore, it has been classified as a Variant of Uncertain Significance. This variant has not been reported in the literature in individuals affected with WNK4-related conditions. This variant is present in population databases (rs746371799, gnomAD 0.02%). This sequence change creates a premature translational stop signal (p.Ile178Argfs*26) in the WNK4 gene. It is expected to result in an absent or disrupted protein product. However, the current clinical and genetic evidence is not sufficient to establish whether loss-of-function variants in WNK4 cause disease.